The following is an entry in ClinVar:

ClinVar aggregate classification (germline): Uncertain significance. Review status: criteria provided, multiple submitters, no conflicts (2 of 4 stars). 2 submissions from 2 submitters: Uncertain significance (2). Last evaluated 2023-02-02.

Conditions:
Inborn genetic diseases. Identifiers: MedGen C0950123, MeSH D030342.

Allele frequency attached by ClinVar (database versions not stated): TOPMed 0.00005; gnomAD 0.00006 and 0.00007; gnomAD exomes 0.00006 and 0.00010; ExAC 0.00007; 1000 Genomes Project 0.00020; 1000 Genomes Project 30x 0.00031; ESP Exome Variant Server 0.00031.
gnomAD v4.1: 157 of 1,614,194 alleles (0.0097%); highest among the groups gnomAD compares: Non-Finnish European, 0.012%; no homozygotes.

Submissions (2):

Labcorp Genetics (formerly Invitae), Labcorp
Classification: Uncertain significance. Last evaluated: 2023-02-02. Review status: criteria provided, single submitter. Criteria: Invitae Variant Classification Sherloc (09022015). Collection method: clinical testing. Allele origin: germline.
Comment: This variant is present in population databases (rs140887456, gnomAD 0.01%). This variant has not been reported in the literature in individuals affected with CENPJ-related conditions. ClinVar contains an entry for this variant (Variation ID: 1420673). Advanced modeling of protein sequence and biophysical properties (such as structural, functional, and spatial information, amino acid conservation, physicochemical variation, residue mobility, and thermodynamic stability) performed at Invitae indicates that this missense variant is not expected to disrupt CENPJ protein function. In summary, the available evidence is currently insufficient to determine the role of this variant in disease. Therefore, it has been classified as a Variant of Uncertain Significance. This sequence change replaces leucine, which is neutral and non-polar, with valine, which is neutral and non-polar, at codon 74 of the CENPJ protein (p.Leu74Val).

Ambry Genetics
Classification: Uncertain significance for Inborn genetic diseases. Last evaluated: 2021-09-27. Review status: criteria provided, single submitter. Criteria: Ambry Variant Classification Scheme 2023. Collection method: clinical testing. Allele origin: germline.

NM_018451.5(CPAP):c.220C>G (p.Leu74Val)

Gene: CPAP (centrosome assembly and centriole elongation protein; minus strand). Cytogenetic location: 13q12.13.
Variant type: single nucleotide variant.
Coding change: c.220C>G on transcript NM_018451.5 (MANE Select); coding-DNA position 220, C replaced by G.
Protein change: p.Leu74Val; replaces leucine 74 with valine.
Molecular consequence: missense variant. On other transcripts: non-coding transcript variant (2).
Genome position (GRCh38, 1-based): chr13:24,912,806, G>C on the plus strand (C>G on the coding strand, the complement: CPAP is on the minus strand). VCF-style: chr13-24912806-G-C. GRCh37 (hg19) VCF-style: chr13-25486944-G-C.
Other names: c.220C>G (NM_018451.3); short protein forms L74V.
Identifiers: ClinVar variation 1420673 (VCV001420673.9), dbSNP rs140887456, ClinGen allele CA6920056.